The following is an entry in ClinVar:

NM_000254.3(MTR):c.2910G>A (p.Val970=)

Gene: MTR (5-methyltetrahydrofolate-homocysteine methyltransferase; plus strand). Cytogenetic location: 1q43.
Variant type: single nucleotide variant.
Coding change: c.2910G>A on transcript NM_000254.3 (MANE Select); coding-DNA position 2910, G replaced by A.
Protein change: p.Val970=; no amino-acid change (valine 970 retained).
Molecular consequence: synonymous variant.
Genome position (GRCh38, 1-based): chr1:236,889,239, G>A. VCF-style: chr1-236889239-G-A. GRCh37 (hg19) VCF-style: chr1-237052539-G-A.
Other names: c.2757G>A, p.Val919= (NM_001291939.1); c.1689G>A, p.Val563= (NM_001291940.2).
Identifiers: ClinVar variation 382103 (VCV000382103.8), dbSNP rs769690083, ClinGen allele CA1474560.
Genomic context (GRCh38, chr1:236,889,239, plus strand): 5'-AGTGAAGCCCACGTTTATTGGGACCCAGGTCTTTGAAGACTATGACCTGCAGAAGCTGGT[G>A]GACTACATTGACTGGAAGCCTTTCTTTGATGTCTGGCAGCTCCGGGGCAAGTACCCGAAT-3'
Protein context (NP_000245.2, residues 960-980): VFEDYDLQKL[Val970=]DYIDWKPFFD

ClinVar aggregate classification (germline): Likely benign. Review status: criteria provided, multiple submitters, no conflicts (2 of 4 stars). 2 submissions from 2 submitters: Likely benign (2). Last evaluated 2024-01-11.

Conditions:
Methylcobalamin deficiency type cblG (HMAG). Also called: HOMOCYSTINURIA-MEGALOBLASTIC ANEMIA, cblG TYPE; Functional methionine synthase deficiency type cblG; HOMOCYSTINURIA-MEGALOBLASTIC ANEMIA DUE TO DEFECT IN COBALAMIN METABOLISM, cblG COMPLEMENTATION TYPE; HOMOCYSTINURIA-MEGALOBLASTIC ANEMIA, cblG COMPLEMENTATION TYPE. Identifiers: Orphanet 2170, Orphanet 622, MedGen C1855128, MONDO:0009609, OMIM 250940.

Allele frequency attached by ClinVar (database versions not stated): gnomAD 0.00002 and 0.00003; ExAC 0.00003; TOPMed 0.00003; gnomAD exomes 0.00004 and 0.00006.
gnomAD v4.1: 97 of 1,614,062 alleles (0.006%); highest among the groups gnomAD compares: Non-Finnish European, 0.0079%; no homozygotes.

Submissions (2):

Labcorp Genetics (formerly Invitae), Labcorp
Classification: Likely benign for Methylcobalamin deficiency type cblG. Last evaluated: 2024-01-11. Review status: criteria provided, single submitter. Criteria: Invitae Variant Classification Sherloc (09022015). Collection method: clinical testing. Allele origin: germline.

GeneDx
Classification: Likely benign. Last evaluated: 2016-02-02. Review status: criteria provided, single submitter. Criteria: GeneDx Variant Classification (06012015). Collection method: clinical testing. Allele origin: germline. Affected: yes.
Comment: This variant is considered likely benign or benign based on one or more of the following criteria: it is a conservative change, it occurs at a poorly conserved position in the protein, it is predicted to be benign by multiple in silico algorithms, and/or has population frequency not consistent with disease.